The following is an entry in ClinVar:

ClinVar aggregate classification (germline): Pathogenic. Review status: criteria provided, multiple submitters, no conflicts (2 of 4 stars). 3 submissions from 3 submitters: Pathogenic (2). 1 of the submissions does not count toward it. Last evaluated 2021-01-21.

Conditions:
Hyperkalemic periodic paralysis. Also called: Familial hyperkalemic periodic paralysis; Gamstorp disease. Identifiers: Orphanet 682, MedGen C0238357, MONDO:0008224, OMIM 170500, HP:0007215.

Submissions (3):

Labcorp Genetics (formerly Invitae), Labcorp
Classification: Pathogenic for Hyperkalemic periodic paralysis. Last evaluated: 2021-01-21. Review status: criteria provided, single submitter. Criteria: Invitae Variant Classification Sherloc (09022015). Collection method: clinical testing. Allele origin: germline.
Comment: This variant has been observed in an individual affected with paramyotonia congenita (PMID: 7676326, 8619545). ClinVar contains an entry for this variant (Variation ID: 221263). For these reasons, this variant has been classified as Pathogenic. Variants that disrupt the p.Arg1448 amino acid residue in SCN4A have been observed in affected individuals (PMID: 1316765, 7809121, 8005599, 8110459, 16801039, 18337730). This suggests that it is a clinically significant residue, and that other variants that disrupt this residue are likely to be causative of disease. Experimental studies have shown that this missense change slows inactivation of the SCN4A channel and increases the amplitude of resurgent sodium currents (PMID: 8619545, 20038812, 21317558). This variant is not present in population databases (ExAC no frequency). This sequence change replaces arginine with proline at codon 1448 of the SCN4A protein (p.Arg1448Pro). The arginine residue is highly conserved and there is a moderate physicochemical difference between arginine and proline.

GeneDx
Classification: Pathogenic. Last evaluated: 2017-09-14. Review status: criteria provided, single submitter. Criteria: GeneDx Variant Classification (06012015). Collection method: clinical testing. Allele origin: germline. Affected: yes.
Comment: The R1448P variant in the SCN4A gene has been reported previously in association with cold-sensitive myotonia and weakness (Wang et al., 1995). This variant is not observed in large population cohorts (Lek et al., 2016; 1000 Genomes Consortium et al., 2015; Exome Variant Server). The R1448P variant is a non-conservative amino acid substitution, which occurs in the helical transmembrane segment S4 of repeat IV at a position that is conserved across species. Functional studies demonstrate that this variant slows inactivation of the sodium channel and increases the amplitude of resurgent sodium currents (Jarecki et al., 2010). Several missense variants at this amino acid position (R1448S, R1448C, R1448H, R1448L) have been reported in the Human Gene Mutation Database in association with paramyotonia congenita (Stenson et al., 2014), supporting the functional importance of this residue of the protein. We interpret R1448P as a pathogenic variant.

GeneReviews
No classification provided. Condition: Hyperkalemic periodic paralysis. Review status: no classification provided. Collection method: literature only. Allele origin: germline. Affected: yes. Not counted in ClinVar's aggregate classification.

Literature cited by the submitters: PubMed 7676326 (cited by Labcorp Genetics (formerly Invitae), Labcorp); PubMed 8619545 (cited by Labcorp Genetics (formerly Invitae), Labcorp and GeneReviews); PubMed 1316765 (cited by Labcorp Genetics (formerly Invitae), Labcorp); PubMed 7809121 (cited by Labcorp Genetics (formerly Invitae), Labcorp); PubMed 8005599 (cited by Labcorp Genetics (formerly Invitae), Labcorp); PubMed 8110459 (cited by Labcorp Genetics (formerly Invitae), Labcorp); PubMed 16801039 (cited by Labcorp Genetics (formerly Invitae), Labcorp); PubMed 18337730 (cited by Labcorp Genetics (formerly Invitae), Labcorp); PubMed 20038812 (cited by Labcorp Genetics (formerly Invitae), Labcorp); PubMed 21317558 (cited by Labcorp Genetics (formerly Invitae), Labcorp); NCBI Bookshelf NBK1496 (cited by GeneReviews).

NM_000334.4(SCN4A):c.4343G>C (p.Arg1448Pro)

Genes: SCN4A (sodium voltage-gated channel alpha subunit 4; minus strand), GH-LCR (growth hormone locus control region; plus strand). Cytogenetic location: 17q23.3.
Variant type: single nucleotide variant.
Coding change: c.4343G>C on transcript NM_000334.4 (MANE Select); coding-DNA position 4343, G replaced by C.
Protein change: p.Arg1448Pro; replaces arginine 1448 with proline.
Molecular consequence: missense variant.
Genome position (GRCh38, 1-based): chr17:63,941,939, C>G on the plus strand (G>C on the coding strand, the complement: SCN4A is on the minus strand). VCF-style: chr17-63941939-C-G. GRCh37 (hg19) VCF-style: chr17-62019299-C-G.
Other names: short protein forms R1448P.
Identifiers: ClinVar variation 221263 (VCV000221263.13), dbSNP rs121908545, ClinGen allele CA350900.